The following is an entry in ClinVar:

ClinVar aggregate classification (germline): Uncertain significance (1 of 4 stars; one submission).

Allele frequency attached by ClinVar (database versions not stated): ExAC 0.00001; gnomAD 0.00001; gnomAD exomes 0.00001; TOPMed 0.00001.
gnomAD v4.1: 4 of 1,614,000 alleles (0.00025%); highest among the groups gnomAD compares: Admixed American, 0.005%; no homozygotes.

Submission:

Labcorp Genetics (formerly Invitae), Labcorp
Classification: Uncertain significance. Last evaluated: 2022-10-24. Review status: criteria provided, single submitter. Criteria: Invitae Variant Classification Sherloc (09022015). Collection method: clinical testing. Allele origin: germline.
Comment: In summary, the available evidence is currently insufficient to determine the role of this variant in disease. Therefore, it has been classified as a Variant of Uncertain Significance. Advanced modeling of protein sequence and biophysical properties (such as structural, functional, and spatial information, amino acid conservation, physicochemical variation, residue mobility, and thermodynamic stability) performed at Invitae indicates that this missense variant is not expected to disrupt NCSTN protein function. This variant has not been reported in the literature in individuals affected with NCSTN-related conditions. This variant is present in population databases (rs777093685, gnomAD 0.003%). This sequence change replaces alanine, which is neutral and non-polar, with valine, which is neutral and non-polar, at codon 447 of the NCSTN protein (p.Ala447Val).

NM_015331.3(NCSTN):c.1340C>T (p.Ala447Val)

Gene: NCSTN (nicastrin; plus strand). Cytogenetic location: 1q23.2.
Variant type: single nucleotide variant.
Coding change: c.1340C>T on transcript NM_015331.3 (MANE Select); coding-DNA position 1340, C replaced by T.
Protein change: p.Ala447Val; replaces alanine 447 with valine.
Molecular consequence: missense variant.
Genome position (GRCh38, 1-based): chr1:160,354,278, C>T. VCF-style: chr1-160354278-C-T. GRCh37 (hg19) VCF-style: chr1-160324068-C-T.
Other names: c.1280C>T, p.Ala427Val (NM_001290184.2); c.926C>T, p.Ala309Val (NM_001290186.2); c.1340C>T, p.Ala447Val (NM_001349729.2); short protein forms A447V, A309V, A427V.
Identifiers: ClinVar variation 2032735 (VCV002032735.4), dbSNP rs777093685, ClinGen allele CA1198962.